The following is an entry in ClinVar:

NM_001397.3(ECE1):c.1601C>T (p.Ala534Val)

Gene: ECE1 (endothelin converting enzyme 1; minus strand). Cytogenetic location: 1p36.12.
Variant type: single nucleotide variant.
Coding change: c.1601C>T on transcript NM_001397.3 (MANE Select); coding-DNA position 1601, C replaced by T.
Protein change: p.Ala534Val; replaces alanine 534 with valine.
Molecular consequence: missense variant.
Genome position (GRCh38, 1-based): chr1:21,233,627, G>A on the plus strand (C>T on the coding strand, the complement: ECE1 is on the minus strand). VCF-style: chr1-21233627-G-A. GRCh37 (hg19) VCF-style: chr1-21560120-G-A.
Other names: c.1565C>T, p.Ala522Val (NM_001113347.2); c.1553C>T, p.Ala518Val (NM_001113348.2); c.1592C>T, p.Ala531Val (NM_001113349.2); short protein forms A518V, A522V, A531V, A534V.
Identifiers: ClinVar variation 3063708 (VCV003063708.1), dbSNP rs972354666, ClinGen allele CA339256160.
Genomic context (GRCh38, chr1:21,233,627, plus strand): 5'-TTGGGGGCTTTCCTGAGCTGATCGGCAGTGACCCTCCATGAGAAGTTGAAAAACCGCATG[G>A]CATTTTCAAAGTAGAGGTCTGGAACTGCAGTGTACTAGAAAAGAAGAAGTGGAGTCAATC-3'
Protein context (NP_001388.1, residues 524-544): TAVPDLYFEN[Ala534Val]MRFFNFSWRV

ClinVar aggregate classification (germline): Uncertain significance (1 of 4 stars; one submission).

gnomAD v4.1: 1 of 1,614,024 alleles (0.000062%); highest among the groups gnomAD compares: Admixed American, 0.0017%; no homozygotes.

Submission:

Women's Health and Genetics/Laboratory Corporation of America, LabCorp
Classification: Uncertain significance. Last evaluated: 2024-01-30. Review status: criteria provided, single submitter. Criteria: LabCorp Variant Classification Summary - May 2015. Collection method: clinical testing. Allele origin: germline.
Comment: Variant summary: ECE1 c.1601C>T (p.Ala534Val) results in a non-conservative amino acid change in the encoded protein sequence. Three of five in-silico tools predict a benign effect of the variant on protein function. The variant was absent in 251402 control chromosomes (gnomAD). The available data on variant occurrences in the general population are insufficient to allow any conclusion about variant significance. To our knowledge, no occurrence of c.1601C>T in individuals affected with Hirschsprung Disease, Cardiac Defects, And Autonomic Dysfunction and no experimental evidence demonstrating its impact on protein function have been reported. No submitters have cited clinical-significance assessments for this variant to ClinVar. Based on the evidence outlined above, the variant was classified as uncertain significance.